The following is an entry in ClinVar:

NM_002230.4(JUP):c.1455C>G (p.Ile485Met)

Gene: JUP (junction plakoglobin; minus strand). Cytogenetic location: 17q21.2.
Variant type: single nucleotide variant.
Coding change: c.1455C>G on transcript NM_002230.4 (MANE Select); coding-DNA position 1455, C replaced by G.
Protein change: p.Ile485Met; replaces isoleucine 485 with methionine.
Molecular consequence: missense variant.
Genome position (GRCh38, 1-based): chr17:41,763,025, G>C on the plus strand (C>G on the coding strand, the complement: JUP is on the minus strand). VCF-style: chr17-41763025-G-C. GRCh37 (hg19) VCF-style: chr17-39919277-G-C.
Other names: c.1455C>G, p.Ile485Met (NM_001352776.2, NM_001352777.2, NM_021991.4 and 3 more transcripts); short protein forms I485M.
Identifiers: ClinVar variation 2181522 (VCV002181522.4), dbSNP rs368692517, ClinGen allele CA8565210.
Genomic context (GRCh38, chr17:41,763,025, plus strand): 5'-CTCGCCTAACAGCAGTACCTTGACCAGTGGCCACTGGTTGGGCTGGTTGAGCAGCTTCAC[G>C]ATGGCTGGGATGCCATAGTTGAGACGCACAGAGTTCTGGGCCATCTCGGCCTCAGGGTGG-3'
Protein context (NP_002221.1, residues 475-495): SVRLNYGIPA[Ile485Met]VKLLNQPNQW

ClinVar aggregate classification (germline): Uncertain significance (1 of 4 stars; one submission).

Conditions:
Naxos disease (NXD). Also called: WOOLLY HAIR, PALMOPLANTAR KERATODERMA, AND CARDIAC ABNORMALITIES; KERATOSIS PALMOPLANTARIS WITH ARRHYTHMOGENIC CARDIOMYOPATHY; MAL DE NAXOS; CARDIOMYOPATHY, ARRHYTHMOGENIC RIGHT VENTRICULAR, WITH SKIN, HAIR, AND NAIL ABNORMALITIES; PALMOPLANTAR KERATODERMA WITH ARRHYTHMOGENIC RIGHT VENTRICULAR CARDIOMYOPATHY AND WOOLLY HAIR. Identifiers: Orphanet 34217, MedGen C1832600, MONDO:0011017, OMIM 601214.
Arrhythmogenic right ventricular dysplasia 12. Also called: ARRHYTHMOGENIC RIGHT VENTRICULAR DYSPLASIA, FAMILIAL, 12. Identifiers: MedGen C1969081, MONDO:0012684, OMIM 611528.

gnomAD v4.1: 3 of 1,614,018 alleles (0.00019%); highest among the groups gnomAD compares: Non-Finnish European, 0.00025%; no homozygotes.

Submission:

Labcorp Genetics (formerly Invitae), Labcorp
Classification: Uncertain significance for Arrhythmogenic right ventricular dysplasia 12; Naxos disease. Last evaluated: 2022-04-12. Review status: criteria provided, single submitter. Criteria: Invitae Variant Classification Sherloc (09022015). Collection method: clinical testing. Allele origin: germline.
Comment: This variant has not been reported in the literature in individuals affected with JUP-related conditions. This variant is present in population databases (rs368692517, gnomAD 0.002%). This sequence change replaces isoleucine, which is neutral and non-polar, with methionine, which is neutral and non-polar, at codon 485 of the JUP protein (p.Ile485Met). Algorithms developed to predict the effect of missense changes on protein structure and function are either unavailable or do not agree on the potential impact of this missense change (SIFT: "Deleterious"; PolyPhen-2: "Probably Damaging"; Align-GVGD: "Class C0"). In summary, the available evidence is currently insufficient to determine the role of this variant in disease. Therefore, it has been classified as a Variant of Uncertain Significance.